The following is an entry in ClinVar:

NM_015978.3(TNNI3K):c.1722G>C (p.Met574Ile)

Genes: TNNI3K (TNNI3 interacting kinase; plus strand), FPGT-TNNI3K (FPGT-TNNI3K readthrough; plus strand). Cytogenetic location: 1p31.1.
Variant type: single nucleotide variant.
Coding change: c.1722G>C on transcript NM_015978.3 (MANE Select); coding-DNA position 1722, G replaced by C.
Protein change: p.Met574Ile; replaces methionine 574 with isoleucine.
Molecular consequence: missense variant.
Genome position (GRCh38, 1-based): chr1:74,370,342, G>C. VCF-style: chr1-74370342-G-C. GRCh37 (hg19) VCF-style: chr1-74836026-G-C.
Other names: c.2025G>C, p.Met675Ile (NM_001112808.3, NM_001199327.2); short protein forms M574I, M675I.
Identifiers: ClinVar variation 1297546 (VCV001297546.10), dbSNP rs199899961, ClinGen allele CA24545876.
Genomic context (GRCh38, chr1:74,370,342, plus strand): 5'-TTCTAGGATTCTTGATTTGCAGTCTAAATTAATTATTGCAGTAGATGTTGCCAAAGGCAT[G>C]GAGTACCTTCACAACCTGACACAGCCAATTATACATCGTGACTTGAACAGGTATTTTTTT-3'
Protein context (NP_057062.1, residues 564-584): LIIAVDVAKG[Met574Ile]EYLHNLTQPI

ClinVar aggregate classification (germline): Uncertain significance. Review status: criteria provided, single submitter (1 of 4 stars). 5 submissions from 5 submitters: Uncertain significance (1). 4 of the submissions do not count toward it. Last evaluated 2025-05-14.

Allele frequency attached by ClinVar (database versions not stated): gnomAD exomes 0.00001; TOPMed 0.00002; gnomAD 0.00003.
gnomAD v4.1: 21 of 1,607,280 alleles (0.0013%); highest among the groups gnomAD compares: Non-Finnish European, 0.0017%; no homozygotes.

Submissions (5):

Labcorp Genetics (formerly Invitae), Labcorp
Classification: Uncertain significance. Last evaluated: 2025-05-14. Review status: criteria provided, single submitter. Criteria: Invitae Variant Classification Sherloc (09022015). Collection method: clinical testing. Allele origin: germline.
Comment: This sequence change replaces methionine, which is neutral and non-polar, with isoleucine, which is neutral and non-polar, at codon 574 of the TNNI3K protein (p.Met574Ile). This variant is present in population databases (rs199899961, gnomAD 0.003%). This variant has not been reported in the literature in individuals affected with TNNI3K-related conditions. ClinVar contains an entry for this variant (Variation ID: 1297546). Invitae Evidence Modeling of protein sequence and biophysical properties (such as structural, functional, and spatial information, amino acid conservation, physicochemical variation, residue mobility, and thermodynamic stability) indicates that this missense variant is not expected to disrupt TNNI3K protein function with a negative predictive value of 80%. In summary, the available evidence is currently insufficient to determine the role of this variant in disease. Therefore, it has been classified as a Variant of Uncertain Significance.

Clinical Genetics DNA and cytogenetics Diagnostics Lab, Erasmus MC, Erasmus Medical Center
Classification: Uncertain significance. Review status: no assertion criteria provided. Collection method: clinical testing. Allele origin: germline. Affected: yes. Study: VKGL Data-share Consensus. Not counted in ClinVar's aggregate classification.

Clinical Genetics, Academic Medical Center
Classification: Uncertain significance. Review status: no assertion criteria provided. Collection method: clinical testing. Allele origin: germline. Affected: yes. Study: VKGL Data-share Consensus. Not counted in ClinVar's aggregate classification.

Diagnostic Laboratory, Department of Genetics, University Medical Center Groningen
Classification: Uncertain significance. Review status: no assertion criteria provided. Collection method: clinical testing. Allele origin: germline. Affected: yes. Study: VKGL Data-share Consensus. Not counted in ClinVar's aggregate classification.

Joint Genome Diagnostic Labs from Nijmegen and Maastricht, Radboudumc and MUMC+
Classification: Uncertain significance. Review status: no assertion criteria provided. Collection method: clinical testing. Allele origin: germline. Affected: yes. Study: VKGL Data-share Consensus. Not counted in ClinVar's aggregate classification.